The following is an entry in ClinVar:

NM_001458.4(FLNC):c.-316C>T

Gene: FLNC (filamin C; plus strand). Cytogenetic location: 7q32.1.
Variant type: single nucleotide variant.
Coding change: c.-316C>T on transcript NM_001458.4; 316 bases upstream of the start codon, C replaced by T.
Genome position (GRCh38, 1-based): chr7:128,830,322, C>T. VCF-style: chr7-128830322-C-T. GRCh37 (hg19) VCF-style: chr7-128470376-C-T.
Identifiers: ClinVar variation 679871 (VCV000679871.4), dbSNP rs62479625, ClinGen allele CA12572508.
Genomic context (GRCh38, chr7:128,830,322, plus strand): 5'-GGCGTCCTGTGCGGCGCGGCCCCCACCCGCGGGCCGGGCGGCATTCCTGGGAGGCCGGCG[C>T]TCTGACGTGGACCCGGGGGCCGCGGGCGCGGCGGGGGGGCGGCGGTCCGGGGGCTTCTTA-3'

ClinVar aggregate classification (germline): Benign. Review status: criteria provided, multiple submitters, no conflicts (2 of 4 stars). 2 submissions from 2 submitters: Benign (2). Last evaluated 2018-06-19.

Allele frequency attached by ClinVar (database versions not stated): 1000 Genomes Project 30x 0.12414; gnomAD 0.12312 and 0.12337; TOPMed 0.12153; 1000 Genomes Project 0.12700.

Submissions (2):

GeneDx
Classification: Benign. Last evaluated: 2018-06-19. Review status: criteria provided, single submitter. Criteria: GeneDx Variant Classification (06012015). Collection method: clinical testing. Allele origin: germline. Affected: yes.
Comment: This variant is considered likely benign or benign based on one or more of the following criteria: it is a conservative change, it occurs at a poorly conserved position in the protein, it is predicted to be benign by multiple in silico algorithms, and/or has population frequency not consistent with disease.

Breakthrough Genomics
Classification: Benign. Review status: criteria provided, single submitter. Criteria: ACMG Guidelines, 2015. Collection method: not provided. Allele origin: germline. Inheritance: Autosomal dominant inheritance. Affected: yes.